The following is an entry in ClinVar:

ClinVar aggregate classification (germline): Uncertain significance (1 of 4 stars; one submission).

Conditions:
Hereditary sensory and autonomic neuropathy type 6. Also called: Neuropathy, hereditary sensory and autonomic, type VI; HSAN VI. Identifiers: Orphanet 314381, MedGen C3539003, MONDO:0013839, OMIM 614653.
Epidermolysis bullosa simplex 3, localized or generalized intermediate, with BP230 deficiency (EBS3). Also called: Epidermolysis bullosa simplex due to BP230 deficiency; Epidermolysis bullosa simplex, autosomal recessive 2. Identifiers: Orphanet 412181, MedGen C3809470, MONDO:0014180, OMIM 615425.

Submission:

Labcorp Genetics (formerly Invitae), Labcorp
Classification: Uncertain significance for Epidermolysis bullosa simplex 3, localized or generalized intermediate, with BP230 deficiency; Hereditary sensory and autonomic neuropathy type 6. Last evaluated: 2022-06-27. Review status: criteria provided, single submitter. Criteria: Invitae Variant Classification Sherloc (09022015). Collection method: clinical testing. Allele origin: germline.
Comment: In summary, the available evidence is currently insufficient to determine the role of this variant in disease. Therefore, it has been classified as a Variant of Uncertain Significance. Experimental studies and prediction algorithms are not available or were not evaluated, and the functional significance of this variant is currently unknown. This variant has not been reported in the literature in individuals affected with DST-related conditions. This variant is not present in population databases (gnomAD no frequency). This sequence change replaces isoleucine, which is neutral and non-polar, with methionine, which is neutral and non-polar, at codon 3895 of the DST protein (p.Ile3895Met). The DST gene has multiple clinically relevant transcripts. This variant occurs in alternate transcript NM_015548.4, and corresponds to NM_001723.5:c.*111508T>G in the primary transcript.

NM_001374736.1(DST):c.19554T>G (p.Ile6518Met)

Gene: DST (dystonin; minus strand). Cytogenetic location: 6p12.1.
Variant type: single nucleotide variant.
Coding change: c.19554T>G on transcript NM_001374736.1 (MANE Select); coding-DNA position 19554, T replaced by G.
Protein change: p.Ile6518Met; replaces isoleucine 6518 with methionine.
Molecular consequence: missense variant.
Genome position (GRCh38, 1-based): chr6:56,504,009, A>C on the plus strand (T>G on the coding strand, the complement: DST is on the minus strand). VCF-style: chr6-56504009-A-C. GRCh37 (hg19) VCF-style: chr6-56368807-A-C.
Other names: c.13197T>G, p.Ile4399Met (NM_001144769.5); c.12783T>G, p.Ile4261Met (NM_001144770.2); c.19554T>G, p.Ile6518Met (NM_001374722.1); c.18594T>G, p.Ile6198Met (NM_001374729.1); c.12336T>G, p.Ile4112Met (NM_001374730.1); c.19581T>G, p.Ile6527Met (NM_001374734.1); c.12663T>G, p.Ile4221Met (NM_001386100.1, NM_183380.4); c.11685T>G, p.Ile3895Met (NM_015548.5); short protein forms I3895M, I4112M, I4261M, I6518M, I4221M, I4399M, I6527M, I6198M.
Identifiers: ClinVar variation 2133942 (VCV002133942.4), dbSNP rs2534210387, ClinGen allele CA364521557.
Genomic context (GRCh38, chr6:56,504,009, plus strand): 5'-GACTTAAAACTGCAAGGGAGTCTTCGATAAATTAGCCCCCACACATACCTTTAGCTCTTC[A>C]ATCTGCTGCTTGACAGTTTCGAGATCTGTTCCAATTGGAGACATTGAAGCTAATTTACCA-3'
Protein context (NP_001361665.1, residues 6508-6528): GTDLETVKQQ[Ile6518Met]EELKQFKSEA